The following is an entry in ClinVar:

NM_000179.3(MSH6):c.3125A>G (p.Lys1042Arg)

Gene: MSH6 (mutS homolog 6; plus strand). Cytogenetic location: 2p16.3.
Variant type: single nucleotide variant.
Coding change: c.3125A>G on transcript NM_000179.3 (MANE Select); coding-DNA position 3125, A replaced by G.
Protein change: p.Lys1042Arg; replaces lysine 1042 with arginine.
Molecular consequence: missense variant. On other transcripts: non-coding transcript variant (5), intron variant (2).
Genome position (GRCh38, 1-based): chr2:47,801,108, A>G. VCF-style: chr2-47801108-A-G. GRCh37 (hg19) VCF-style: chr2-48028247-A-G.
Other names: c.2735A>G, p.Lys912Arg (NM_001281492.2); c.2219A>G, p.Lys740Arg (NM_001281493.2, NM_001281494.2, NM_001406811.1 and 6 more transcripts); c.3221A>G, p.Lys1074Arg (NM_001406795.1, NM_001406802.1); c.3125A>G, p.Lys1042Arg (NM_001406796.1, NM_001406798.1, NM_001406800.1 and 2 more transcripts); c.2828A>G, p.Lys943Arg (NM_001406797.1, NM_001406801.1, NM_001406805.1 and 10 more transcripts); c.2600A>G, p.Lys867Arg (NM_001406799.1, NM_001406806.1, NM_001406807.1); c.3047A>G, p.Lys1016Arg (NM_001406804.1); c.3131A>G, p.Lys1044Arg (NM_001406813.1); and 4 more; short protein forms K1016R, K357R, K1074R, K867R, K986R, K740R, K943R, K1042R.
Identifiers: ClinVar variation 2609580 (VCV002609580.6), dbSNP rs2104441513, ClinGen allele CA346756650.

ClinVar aggregate classification (germline): Uncertain significance. Review status: criteria provided, multiple submitters, no conflicts (2 of 4 stars). 2 submissions from 2 submitters: Uncertain significance (2). Last evaluated 2025-08-01.

Conditions:
Hereditary nonpolyposis colorectal neoplasms. Identifiers: MedGen C0009405, MeSH D003123.
Hereditary cancer-predisposing syndrome. Also called: Tumor predisposition; Hereditary Cancer Syndrome; Hereditary neoplastic syndrome; Neoplastic Syndromes, Hereditary. Identifiers: Orphanet 140162, MedGen C0027672, MeSH D009386, MONDO:0015356.

Submissions (2):

Ambry Genetics
Classification: Uncertain significance for Hereditary cancer-predisposing syndrome. Last evaluated: 2025-08-01. Review status: criteria provided, single submitter. Criteria: Ambry Variant Classification Scheme 2023. Collection method: clinical testing. Allele origin: germline.
Comment: The p.K1042R variant (also known as c.3125A>G), located in coding exon 4 of the MSH6 gene, results from an A to G substitution at nucleotide position 3125. The lysine at codon 1042 is replaced by arginine, an amino acid with highly similar properties. This amino acid position is conserved. In addition, the in silico prediction for this alteration is inconclusive. Since supporting evidence is limited at this time, the clinical significance of this alteration remains unclear.

Labcorp Genetics (formerly Invitae), Labcorp
Classification: Uncertain significance for Hereditary nonpolyposis colorectal neoplasms. Last evaluated: 2025-07-17. Review status: criteria provided, single submitter. Criteria: Invitae Variant Classification Sherloc (09022015). Collection method: clinical testing. Allele origin: germline.
Comment: This sequence change replaces lysine, which is basic and polar, with arginine, which is basic and polar, at codon 1042 of the MSH6 protein (p.Lys1042Arg). This variant is not present in population databases (gnomAD no frequency). This variant has not been reported in the literature in individuals affected with MSH6-related conditions. ClinVar contains an entry for this variant (Variation ID: 2609580). Invitae Evidence Modeling of protein sequence and biophysical properties (such as structural, functional, and spatial information, amino acid conservation, physicochemical variation, residue mobility, and thermodynamic stability) indicates that this missense variant is not expected to disrupt MSH6 protein function with a negative predictive value of 95%. In summary, the available evidence is currently insufficient to determine the role of this variant in disease. Therefore, it has been classified as a Variant of Uncertain Significance.